The following is an entry in ClinVar:

NM_004999.4(MYO6):c.3235A>G (p.Lys1079Glu)

Gene: MYO6 (myosin VI; plus strand). Cytogenetic location: 6q14.1.
Variant type: single nucleotide variant.
Coding change: c.3235A>G on transcript NM_004999.4 (MANE Select); coding-DNA position 3235, A replaced by G.
Protein change: p.Lys1079Glu; replaces lysine 1079 with glutamic acid.
Molecular consequence: missense variant. On other transcripts: non-coding transcript variant (1).
Genome position (GRCh38, 1-based): chr6:75,907,663, A>G. VCF-style: chr6-75907663-A-G. GRCh37 (hg19) VCF-style: chr6-76617380-A-G.
Other names: c.3166A>G, p.Lys1056Glu (NM_001300899.2, NM_001368136.1); c.3223A>G, p.Lys1075Glu (NM_001368137.1); c.3151A>G, p.Lys1051Glu (NM_001368138.1); c.3235A>G (NM_004999.3); c.3262A>G, p.Lys1088Glu (NM_001368865.1, NM_001368866.1); short protein forms K1051E, K1056E, K1079E, K1075E, K1088E.
Identifiers: ClinVar variation 2058393 (VCV002058393.6), dbSNP rs763830362, ClinGen allele CA3897639.

ClinVar aggregate classification (germline): Uncertain significance. Review status: criteria provided, multiple submitters, no conflicts (2 of 4 stars). 2 submissions from 2 submitters: Uncertain significance (2). Last evaluated 2026-02-06.

Allele frequency attached by ClinVar (database versions not stated): gnomAD exomes 0.00002; ExAC 0.00004; TOPMed 0.00002; gnomAD 0.00001.
gnomAD v4.1: 12 of 1,613,594 alleles (0.00074%); highest among the groups gnomAD compares: Admixed American, 0.02%; no homozygotes.

Submissions (2):

GeneDx
Classification: Uncertain significance. Last evaluated: 2026-02-06. Review status: criteria provided, single submitter. Criteria: GeneDx Variant Classification Process June 2021. Collection method: clinical testing. Allele origin: germline.
Comment: In silico analysis supports that this missense variant has a deleterious effect on protein structure/function; Has not been previously published as pathogenic or benign to our knowledge

Labcorp Genetics (formerly Invitae), Labcorp
Classification: Uncertain significance. Last evaluated: 2023-07-17. Review status: criteria provided, single submitter. Criteria: Invitae Variant Classification Sherloc (09022015). Collection method: clinical testing. Allele origin: germline.
Comment: ClinVar contains an entry for this variant (Variation ID: 2058393). Advanced modeling of protein sequence and biophysical properties (such as structural, functional, and spatial information, amino acid conservation, physicochemical variation, residue mobility, and thermodynamic stability) performed at Invitae indicates that this missense variant is not expected to disrupt MYO6 protein function. This missense change has been observed in individual(s) with autosomal recessive deafness (Invitae). This variant is present in population databases (rs763830362, gnomAD 0.03%). This sequence change replaces lysine, which is basic and polar, with glutamic acid, which is acidic and polar, at codon 1079 of the MYO6 protein (p.Lys1079Glu). In summary, the available evidence is currently insufficient to determine the role of this variant in disease. Therefore, it has been classified as a Variant of Uncertain Significance.